The following is an entry in ClinVar:

ClinVar aggregate classification (germline): Likely benign. Review status: criteria provided, single submitter (1 of 4 stars). 2 submissions from 2 submitters: Likely benign (1). 1 of the submissions does not count toward it. Last evaluated 2024-08-20.

Conditions:
TYRP1-related disorder. Also called: TYRP1-related condition.

Allele frequency attached by ClinVar (database versions not stated): ExAC 0.00008; gnomAD 0.00012 and 0.00013; TOPMed 0.00012; ESP Exome Variant Server 0.00015; 1000 Genomes Project 30x 0.00016; 1000 Genomes Project 0.00020.
gnomAD v4.1: 30 of 1,614,094 alleles (0.0019%); highest among the groups gnomAD compares: African/African-American, 0.04%; no homozygotes.

Submissions (2):

Labcorp Genetics (formerly Invitae), Labcorp
Classification: Likely benign. Last evaluated: 2024-08-20. Review status: criteria provided, single submitter. Criteria: Invitae Variant Classification Sherloc (09022015). Collection method: clinical testing. Allele origin: germline.

PreventionGenetics, part of Exact Sciences
Classification: Likely benign for TYRP1-related condition. Last evaluated: 2019-06-11. Review status: no assertion criteria provided. Collection method: clinical testing. Allele origin: germline. Not counted in ClinVar's aggregate classification.
Comment: This variant is classified as likely benign based on ACMG/AMP sequence variant interpretation guidelines (Richards et al. 2015 PMID: 25741868, with internal and published modifications).

NM_000550.3(TYRP1):c.651A>T (p.Gly217=)

Gene: TYRP1 (tyrosinase related protein 1; plus strand). Cytogenetic location: 9p23.
Variant type: single nucleotide variant.
Coding change: c.651A>T on transcript NM_000550.3 (MANE Select); coding-DNA position 651, A replaced by T.
Protein change: p.Gly217=; no amino-acid change (glycine 217 retained).
Molecular consequence: synonymous variant.
Genome position (GRCh38, 1-based): chr9:12,695,780, A>T. VCF-style: chr9-12695780-A-T. GRCh37 (hg19) VCF-style: chr9-12695780-A-T.
Other names: c.651A>T (NM_000550.2).
Identifiers: ClinVar variation 1090142 (VCV001090142.11), dbSNP rs373912509, ClinGen allele CA4985275.